The following is an entry in ClinVar:

ClinVar aggregate classification (germline): Likely pathogenic (1 of 4 stars; one submission).

Submission:

GeneDx
Classification: Likely pathogenic. Last evaluated: 2024-01-09. Review status: criteria provided, single submitter. Criteria: GeneDx Variant Classification Process June 2021. Collection method: clinical testing. Allele origin: germline.
Comment: In-frame deletion of one amino acid in the triple-helical region; Not observed at a significant frequency in large population cohorts (gnomAD); In silico analysis supports a deleterious effect on protein structure/function; Has not been previously published as pathogenic or benign to our knowledge

NM_000094.4(COL7A1):c.7021_7023del (p.Lys2341del)

Gene: COL7A1 (collagen type VII alpha 1 chain; minus strand). Cytogenetic location: 3p21.31.
Variant type: Deletion.
Coding change: c.7021_7023del on transcript NM_000094.4 (MANE Select); coding-DNA positions 7021 to 7023, 3 bases deleted (AAG; older notation c.7021_7023delAAG).
Protein change: p.Lys2341del; deletes lysine 2341.
Molecular consequence: inframe deletion. On other transcripts: inframe indel (1).
Genome position (GRCh38, 1-based): chr3:48,572,127-48,572,129, CTT deleted on the plus strand (AAG on the coding strand, the reverse complement: COL7A1 is on the minus strand); deleting any 3 consecutive bases within chr3:48,572,127-48,572,131 gives the same sequence; the c. name uses the placement nearest the transcript's 3' end. VCF-style (leftmost placement, unchanged base first): chr3-48572126-CCTT-C. GRCh37 (hg19) VCF-style: chr3-48609559-CCTT-C.
Other names: c.7019_7021delAGA, p.Lys2341del (NM_000094.3); short protein forms K2341del.
Identifiers: ClinVar variation 2446208 (VCV002446208.2), dbSNP rs1560206805, ClinGen allele CA916888232.